The following is an entry in ClinVar:

NM_182914.3(SYNE2):c.15524G>C (p.Ser5175Thr)

Gene: SYNE2 (spectrin repeat containing nuclear envelope protein 2; plus strand). Cytogenetic location: 14q23.2.
Variant type: single nucleotide variant.
Coding change: c.15524G>C on transcript NM_182914.3 (MANE Select); coding-DNA position 15524, G replaced by C.
Protein change: p.Ser5175Thr; replaces serine 5175 with threonine.
Molecular consequence: missense variant.
Genome position (GRCh38, 1-based): chr14:64,146,108, G>C. VCF-style: chr14-64146108-G-C. GRCh37 (hg19) VCF-style: chr14-64612826-G-C.
Other names: c.15524G>C, p.Ser5175Thr (NM_015180.6); short protein forms S5175T.
Identifiers: ClinVar variation 1435453 (VCV001435453.6), dbSNP rs1277439274, ClinGen allele CA389946906.
Genomic context (GRCh38, chr14:64,146,108, plus strand): 5'-TAATCTTTACATTCACTTAGATACAACATTTAGAACAACTTCTAGAAAGTATCACTGAGA[G>C]TGAAAATAAAATACAGATCTTGAACAACTGGCTGGAAGCACAAGAAGAGAGACTGAAAAC-3'
Protein context (NP_878918.2, residues 5165-5185): LEQLLESITE[Ser5175Thr]ENKIQILNNW

ClinVar aggregate classification (germline): Uncertain significance (1 of 4 stars; one submission).

Conditions:
Emery-Dreifuss muscular dystrophy 5, autosomal dominant (EDMD5). Also called: EMERY-DREIFUSS MUSCULAR DYSTROPHY 5. Identifiers: Orphanet 261, MedGen C2751805, MONDO:0013072, OMIM 612999.

Allele frequency attached by ClinVar (database versions not stated): gnomAD exomes below 0.00001; gnomAD 0.00001; TOPMed 0.00001.
gnomAD v4.1: 2 of 1,599,906 alleles (0.00013%); highest among the groups gnomAD compares: Admixed American, 0.0034%; no homozygotes.

Submission:

Labcorp Genetics (formerly Invitae), Labcorp
Classification: Uncertain significance for Emery-Dreifuss muscular dystrophy 5, autosomal dominant. Last evaluated: 2021-11-05. Review status: criteria provided, single submitter. Criteria: Invitae Variant Classification Sherloc (09022015). Collection method: clinical testing. Allele origin: germline.
Comment: This sequence change replaces serine, which is neutral and polar, with threonine, which is neutral and polar, at codon 5175 of the SYNE2 protein (p.Ser5175Thr). This variant is present in population databases (no rsID available, gnomAD 0.003%). This variant has not been reported in the literature in individuals affected with SYNE2-related conditions. Algorithms developed to predict the effect of missense changes on protein structure and function (SIFT, PolyPhen-2, Align-GVGD) all suggest that this variant is likely to be tolerated. In summary, the available evidence is currently insufficient to determine the role of this variant in disease. Therefore, it has been classified as a Variant of Uncertain Significance.